The following is an entry in ClinVar:

NM_004706.4(ARHGEF1):c.813C>T (p.Ala271=)

Gene: ARHGEF1 (Rho guanine nucleotide exchange factor 1; plus strand). Cytogenetic location: 19q13.2.
Variant type: single nucleotide variant.
Coding change: c.813C>T on transcript NM_004706.4 (MANE Select); coding-DNA position 813, C replaced by T.
Protein change: p.Ala271=; no amino-acid change (alanine 271 retained).
Molecular consequence: synonymous variant.
Genome position (GRCh38, 1-based): chr19:41,894,519, C>T. VCF-style: chr19-41894519-C-T. GRCh37 (hg19) VCF-style: chr19-42398592-C-T.
Other names: c.714C>T, p.Ala238= (NM_198977.2); c.858C>T, p.Ala286= (NM_199002.2).
Identifiers: ClinVar variation 1107274 (VCV001107274.30), dbSNP rs141980059, ClinGen allele CA9466068.

ClinVar aggregate classification (germline): Likely benign. Review status: criteria provided, multiple submitters, no conflicts (2 of 4 stars). 5 submissions from 5 submitters: Likely benign (5). Last evaluated 2026-01-22.

Allele frequency attached by ClinVar (database versions not stated): 1000 Genomes Project 30x 0.00078; 1000 Genomes Project 0.00080; gnomAD 0.00090 and 0.00091; TOPMed 0.00091; gnomAD exomes 0.00092 and 0.00154; ExAC 0.00119; ESP Exome Variant Server 0.00192.
gnomAD v4.1: 2,412 of 1,609,004 alleles (0.15%); highest among the groups gnomAD compares: Non-Finnish European, 0.19%; 2 homozygotes.

Submissions (5):

Women's Health and Genetics/Laboratory Corporation of America, LabCorp
Classification: Likely benign. Last evaluated: 2026-01-22. Review status: criteria provided, single submitter. Criteria: LabCorp Variant Classification Summary - May 2015. Collection method: clinical testing. Allele origin: germline.

Labcorp Genetics (formerly Invitae), Labcorp
Classification: Likely benign. Last evaluated: 2025-12-21. Review status: criteria provided, single submitter. Criteria: Invitae Variant Classification Sherloc (09022015). Collection method: clinical testing. Allele origin: germline.

Blueprint Genetics
Classification: Likely benign. Last evaluated: 2024-11-26. Review status: criteria provided, single submitter. Criteria: ACMG Guidelines, 2015. Collection method: clinical testing. Allele origin: germline.

CeGaT Center for Human Genetics Tuebingen
Classification: Likely benign. Last evaluated: 2024-11-01. Review status: criteria provided, single submitter. Criteria: CeGaT Center For Human Genetics Tuebingen Variant Classification Criteria Version 2. Collection method: clinical testing. Allele origin: germline. Affected: yes. Observed: 2 variant alleles.
Comment: ARHGEF1: BP4, BP7

Breakthrough Genomics
Classification: Likely benign. Review status: criteria provided, single submitter. Criteria: ACMG Guidelines, 2015. Collection method: not provided. Allele origin: germline. Inheritance: Autosomal recessive inheritance. Affected: yes.